The following is an entry in ClinVar:

NM_012431.3(SEMA3E):c.2004C>T (p.Ile668=)

Gene: SEMA3E (semaphorin 3E; minus strand). Cytogenetic location: 7q21.11.
Variant type: single nucleotide variant.
Coding change: c.2004C>T on transcript NM_012431.3 (MANE Select); coding-DNA position 2004, C replaced by T.
Protein change: p.Ile668=; no amino-acid change (isoleucine 668 retained).
Molecular consequence: synonymous variant.
Genome position (GRCh38, 1-based): chr7:83,367,910, G>A on the plus strand (C>T on the coding strand, the complement: SEMA3E is on the minus strand). VCF-style: chr7-83367910-G-A. GRCh37 (hg19) VCF-style: chr7-82997226-G-A.
Other names: c.2004C>T (NM_012431.2); c.1824C>T, p.Ile608= (NM_001178129.2).
Identifiers: ClinVar variation 2156122 (VCV002156122.5), dbSNP rs760431278, ClinGen allele CA4321844.
Genomic context (GRCh38, chr7:83,367,910, plus strand): 5'-CTCCTCATCGTCCTTGTTAAACATATCCTCGACTTTCTCCTCTTCCACTACCTCCAAGGT[G>A]ATTTTACGGACCGTATGGACAAAGCTATGCTCTACTGTCTGGCAAAAATAGGTCCCAGCA-3'
Protein context (NP_036563.1, residues 658-678): EHSFVHTVRK[Ile668=]TLEVVEEEKV

ClinVar aggregate classification (germline): Likely benign. Review status: criteria provided, multiple submitters, no conflicts (2 of 4 stars). 2 submissions from 2 submitters: Likely benign (2). Last evaluated 2026-02-09.

Conditions:
SEMA3E-related disorder. Also called: SEMA3E-related condition.
CHARGE syndrome (CHARGE). Also called: Hittner Hirsch Kreh syndrome; CHARGE ASSOCIATION--COLOBOMA, HEART ANOMALY, CHOANAL ATRESIA, RETARDATION, GENITAL AND EAR ANOMALIES; Coloboma, heart anomaly, choanal atresia, retardation, genital and ear anomalies; CHARGE association; Hall-Hittner syndrome. Identifiers: Orphanet 138, MedGen C0265354, MONDO:0008965.

Allele frequency attached by ClinVar (database versions not stated): TOPMed 0.00001; gnomAD 0.00003; ExAC 0.00010.
gnomAD v4.1: 16 of 1,610,654 alleles (0.00099%); highest among the groups gnomAD compares: East Asian, 0.029%; no homozygotes.

Submissions (2):

PreventionGenetics, part of Exact Sciences
Classification: Likely benign for SEMA3E-related condition. Last evaluated: 2026-02-09. Review status: criteria provided, single submitter. Criteria: ACMG Guidelines, 2015. Collection method: clinical testing. Allele origin: germline.
Comment: This variant is classified as likely benign based on ACMG/AMP sequence variant interpretation guidelines (Richards et al. 2015 PMID: 25741868, with internal and published modifications).

Labcorp Genetics (formerly Invitae), Labcorp
Classification: Likely benign for CHARGE syndrome. Last evaluated: 2025-04-02. Review status: criteria provided, single submitter. Criteria: Invitae Variant Classification Sherloc (09022015). Collection method: clinical testing. Allele origin: germline.